The following is an entry in ClinVar:

ClinVar aggregate classification (germline): Uncertain significance (1 of 4 stars; one submission).

Conditions:
Hereditary cancer-predisposing syndrome. Also called: Hereditary Cancer Syndrome; Neoplastic Syndromes, Hereditary; Tumor predisposition; Hereditary neoplastic syndrome. Identifiers: Orphanet 140162, MedGen C0027672, MeSH D009386, MONDO:0015356.

Submission:

Ambry Genetics
Classification: Uncertain significance for Hereditary cancer-predisposing syndrome. Last evaluated: 2020-02-26. Review status: criteria provided, single submitter. Criteria: Ambry Variant Classification Scheme 2023. Collection method: clinical testing. Allele origin: germline.
Comment: The p.S398Y variant (also known as c.1193C>A), located in coding exon 10 of the CHEK2 gene, results from a C to A substitution at nucleotide position 1193. The serine at codon 398 is replaced by tyrosine, an amino acid with dissimilar properties. This amino acid position is well conserved in available vertebrate species. In addition, this alteration is predicted to be tolerated by in silico analysis. Since supporting evidence is limited at this time, the clinical significance of this alteration remains unclear.

NM_007194.4(CHEK2):c.1193C>A (p.Ser398Tyr)

Gene: CHEK2 (checkpoint kinase 2; minus strand). Cytogenetic location: 22q12.1.
Variant type: single nucleotide variant.
Coding change: c.1193C>A on transcript NM_007194.4 (MANE Select); coding-DNA position 1193, C replaced by A.
Protein change: p.Ser398Tyr; replaces serine 398 with tyrosine.
Molecular consequence: missense variant.
Genome position (GRCh38, 1-based): chr22:28,695,776, G>T on the plus strand (C>A on the coding strand, the complement: CHEK2 is on the minus strand). VCF-style: chr22-28695776-G-T. GRCh37 (hg19) VCF-style: chr22-29091764-G-T.
Other names: c.1322C>A, p.Ser441Tyr (NM_001005735.3); c.530C>A, p.Ser177Tyr (NM_001257387.3); c.992C>A, p.Ser331Tyr (NM_001349956.3); c.1106C>A, p.Ser369Tyr (NM_145862.3); short protein forms S331Y, S369Y, S441Y, S398Y, S177Y.
Identifiers: ClinVar variation 1745425 (VCV001745425.2), dbSNP rs1555913751, ClinGen allele CA411096788.